The following is an entry in ClinVar:

ClinVar aggregate classification (germline): Pathogenic/Likely pathogenic. Review status: criteria provided, multiple submitters, no conflicts (2 of 4 stars). 4 submissions from 4 submitters: Pathogenic (1); Likely pathogenic (2). 1 of the submissions does not count toward it. Last evaluated 2024-04-30.

Conditions:
PNPLA6-related disorder. Also called: PNPLA6-related condition; PNPLA6-related disorders.
Trichomegaly-retina pigmentary degeneration-dwarfism syndrome (OMCS). Also called: OLIVER-MCFARLANE SYNDROME; Oliver-McFarlane Syndrome (OMCS); Eyelashes long mental retardation; Trichomegaly retina pigmentary degeneration dwarfism. Identifiers: Orphanet 3363, MedGen C1848745, MONDO:0010152, OMIM 275400.
Hereditary spastic paraplegia 39 (SPG39). Also called: Spastic Paraplegia Type 39 (SPG39); SPASTIC PARAPLEGIA 39, AUTOSOMAL RECESSIVE. Identifiers: Orphanet 139480, MedGen C2677586, MONDO:0012787, OMIM 612020.
Ataxia-hypogonadism-choroidal dystrophy syndrome (BNHS). Also called: Boucher-Neuhäuser Syndrome (BNS); Chorioretinal dystrophy, spinocerebellar ataxia and hypogonadotropic hypogonadism. Identifiers: Orphanet 1180, MedGen C1859093, MONDO:0008980, OMIM 215470.

Allele frequency attached by ClinVar (database versions not stated): gnomAD exomes below 0.00001.
gnomAD v4.1: 7 of 1,612,630 alleles (0.00043%); highest among the groups gnomAD compares: East Asian, 0.0022%; no homozygotes.

Submissions (4):

Labcorp Genetics (formerly Invitae), Labcorp
Classification: Pathogenic for Hereditary spastic paraplegia 39. Last evaluated: 2024-04-30. Review status: criteria provided, single submitter. Criteria: Invitae Variant Classification Sherloc (09022015). Collection method: clinical testing. Allele origin: germline.
Comment: This sequence change replaces valine, which is neutral and non-polar, with methionine, which is neutral and non-polar, at codon 1062 of the PNPLA6 protein (p.Val1062Met). This variant is present in population databases (no rsID available, gnomAD 0.006%). This missense change has been observed in individual(s) with Boucher-Neuhauser syndrome (PMID: 24355708). In at least one individual the data is consistent with being in trans (on the opposite chromosome) from a pathogenic variant. It has also been observed to segregate with disease in related individuals. This variant is also known as p.Val1110Met. ClinVar contains an entry for this variant (Variation ID: 101041). Advanced modeling of protein sequence and biophysical properties (such as structural, functional, and spatial information, amino acid conservation, physicochemical variation, residue mobility, and thermodynamic stability) performed at Invitae indicates that this missense variant is expected to disrupt PNPLA6 protein function with a positive predictive value of 95%. For these reasons, this variant has been classified as Pathogenic.

Blueprint Genetics
Classification: Likely pathogenic for PNPLA6-related disorders. Last evaluated: 2023-05-09. Review status: criteria provided, single submitter. Criteria: ACMG Guidelines, 2015. Collection method: clinical testing. Allele origin: germline. Affected: yes. Observed: 2 variant alleles.

Centre for Mendelian Genomics, University Medical Centre Ljubljana
Classification: Likely pathogenic for Trichomegaly-retina pigmentary degeneration-dwarfism syndrome. Last evaluated: 2018-11-30. Review status: criteria provided, single submitter. Criteria: ACMG Guidelines, 2015. Collection method: clinical testing. Allele origin: unknown. Affected: yes.
Comment: This variant was classified as: Likely pathogenic. The following ACMG criteria were applied in classifying this variant: PS1,PM2,PP3.

OMIM
Classification: Pathogenic for BOUCHER-NEUHAUSER SYNDROME. Last evaluated: 2014-01-01. Review status: no assertion criteria provided. Collection method: literature only. Allele origin: germline. Not counted in ClinVar's aggregate classification.

Literature cited by the submitters: PubMed 24355708 (cited by Labcorp Genetics (formerly Invitae), Labcorp and OMIM).

NM_001166114.2(PNPLA6):c.3298G>A (p.Val1100Met)

Gene: PNPLA6 (patatin like domain 6, lysophospholipase; plus strand). Cytogenetic location: 19p13.2.
Variant type: single nucleotide variant.
Coding change: c.3298G>A on transcript NM_001166114.2 (MANE Select); coding-DNA position 3298, G replaced by A.
Protein change: p.Val1100Met; replaces valine 1100 with methionine.
Molecular consequence: missense variant.
Genome position (GRCh38, 1-based): chr19:7,557,185, G>A. VCF-style: chr19-7557185-G-A. GRCh37 (hg19) VCF-style: chr19-7622071-G-A.
Other names: c.3328G>A, p.Val1110Met (NM_001166111.2); c.3103G>A, p.Val1035Met (NM_001166112.2); c.3184G>A, p.Val1062Met (NM_001166113.1, NM_006702.5); short protein forms V1110M, V1062M, V1035M, V1100M.
Identifiers: ClinVar variation 101041 (VCV000101041.9), dbSNP rs587777182, ClinGen allele CA150708.